The following is an entry in ClinVar:

NM_015073.3(SIPA1L3):c.2903C>T (p.Thr968Met)

Gene: SIPA1L3 (signal induced proliferation associated 1 like 3; plus strand). Cytogenetic location: 19q13.13.
Variant type: single nucleotide variant.
Coding change: c.2903C>T on transcript NM_015073.3 (MANE Select); coding-DNA position 2903, C replaced by T.
Protein change: p.Thr968Met; replaces threonine 968 with methionine.
Molecular consequence: missense variant.
Genome position (GRCh38, 1-based): chr19:38,130,532, C>T. VCF-style: chr19-38130532-C-T. GRCh37 (hg19) VCF-style: chr19-38621172-C-T.
Other names: short protein forms T968M.
Identifiers: ClinVar variation 3052757 (VCV003052757.4), dbSNP rs61729130, ClinGen allele CA9409825.

ClinVar aggregate classification (germline): Likely benign. Review status: criteria provided, single submitter (1 of 4 stars). 2 submissions from 2 submitters: Likely benign (1). 1 of the submissions does not count toward it. Last evaluated 2025-06-12.

Conditions:
SIPA1L3-related disorder. Also called: SIPA1L3-related condition.

Allele frequency attached by ClinVar (database versions not stated): gnomAD exomes 0.00033; ExAC 0.00073; TOPMed 0.00203; gnomAD 0.00179; ESP Exome Variant Server 0.00215; 1000 Genomes Project 0.00240; 1000 Genomes Project 30x 0.00219.
gnomAD v4.1: 793 of 1,613,026 alleles (0.049%); highest among the groups gnomAD compares: African/African-American, 0.53%; 4 homozygotes.

Submissions (2):

Labcorp Genetics (formerly Invitae), Labcorp
Classification: Likely benign. Last evaluated: 2025-06-12. Review status: criteria provided, single submitter. Criteria: Invitae Variant Classification Sherloc (09022015). Collection method: clinical testing. Allele origin: germline.

PreventionGenetics, part of Exact Sciences
Classification: Likely benign for SIPA1L3-related condition. Last evaluated: 2020-01-30. Review status: no assertion criteria provided. Collection method: clinical testing. Allele origin: germline. Not counted in ClinVar's aggregate classification.
Comment: This variant is classified as likely benign based on ACMG/AMP sequence variant interpretation guidelines (Richards et al. 2015 PMID: 25741868, with internal and published modifications).